The following is an entry in ClinVar:

NM_024915.4(GRHL2):c.1345+26C>T

Gene: GRHL2 (grainyhead like transcription factor 2; plus strand). Cytogenetic location: 8q22.3.
Variant type: single nucleotide variant.
Coding change: c.1345+26C>T on transcript NM_024915.4 (MANE Select); 26 bases into the intron after coding-DNA position 1345, C replaced by T.
Molecular consequence: intron variant.
Genome position (GRCh38, 1-based): chr8:101,631,750, C>T. VCF-style: chr8-101631750-C-T. GRCh37 (hg19) VCF-style: chr8-102643978-C-T.
Other names: c.1297+26C>T (NM_001330593.2).
Identifiers: ClinVar variation 675043 (VCV000675043.2), dbSNP rs116356794, ClinGen allele CA4830545.

ClinVar aggregate classification (germline): Benign. Review status: criteria provided, multiple submitters, no conflicts (2 of 4 stars). 2 submissions from 2 submitters: Benign (2). Last evaluated 2018-06-16.

Allele frequency attached by ClinVar (database versions not stated): gnomAD exomes 0.00136 and 0.00363; ExAC 0.00452; gnomAD 0.01450 and 0.01560; ESP Exome Variant Server 0.01522; TOPMed 0.01559; 1000 Genomes Project 0.01757; 1000 Genomes Project 30x 0.01858.
gnomAD v4.1: 4,225 of 1,586,316 alleles (0.27%); highest among the groups gnomAD compares: African/African-American, 5.1%; 105 homozygotes.

Submissions (2):

GeneDx
Classification: Benign. Last evaluated: 2018-06-16. Review status: criteria provided, single submitter. Criteria: GeneDx Variant Classification (06012015). Collection method: clinical testing. Allele origin: germline. Affected: yes.
Comment: This variant is considered likely benign or benign based on one or more of the following criteria: it is a conservative change, it occurs at a poorly conserved position in the protein, it is predicted to be benign by multiple in silico algorithms, and/or has population frequency not consistent with disease.

Breakthrough Genomics
Classification: Benign. Review status: criteria provided, single submitter. Criteria: ACMG Guidelines, 2015. Collection method: not provided. Allele origin: germline. Inheritance: Autosomal recessive inheritance. Affected: yes.